The following is an entry in ClinVar:

ClinVar aggregate classification (germline): Conflicting classifications of pathogenicity. Review status: criteria provided, conflicting classifications (1 of 4 stars). 2 submissions from 2 submitters: Uncertain significance (1); Benign (1). Last evaluated 2025-10-30.

Conditions:
Hereditary cancer-predisposing syndrome. Also called: Neoplastic Syndromes, Hereditary; Hereditary neoplastic syndrome; Tumor predisposition; Hereditary Cancer Syndrome. Identifiers: Orphanet 140162, MedGen C0027672, MeSH D009386, MONDO:0015356.
Tuberous sclerosis 2 (TSC2). Identifiers: Orphanet 805, MedGen C1860707, MONDO:0013199, OMIM 613254.

Allele frequency attached by ClinVar (database versions not stated): gnomAD exomes below 0.00001 and 0.00001; TOPMed below 0.00001.
gnomAD v4.1: 2 of 1,613,526 alleles (0.00012%); highest among the groups gnomAD compares: Admixed American, 0.0033%; no homozygotes.

Submissions (2):

Labcorp Genetics (formerly Invitae), Labcorp
Classification: Benign for Tuberous sclerosis 2. Last evaluated: 2025-10-30. Review status: criteria provided, single submitter. Criteria: Invitae Variant Classification Sherloc (09022015). Collection method: clinical testing. Allele origin: germline.

Ambry Genetics
Classification: Uncertain significance for Hereditary cancer-predisposing syndrome. Last evaluated: 2025-09-06. Review status: criteria provided, single submitter. Criteria: Ambry Variant Classification Scheme 2023. Collection method: clinical testing. Allele origin: germline.
Comment: The p.N633H variant (also known as c.1897A>C), located in coding exon 17 of the TSC2 gene, results from an A to C substitution at nucleotide position 1897. The asparagine at codon 633 is replaced by histidine, an amino acid with similar properties. This amino acid position is conserved. In addition, the in silico prediction for this alteration is inconclusive. Since supporting evidence is limited at this time, the clinical significance of this alteration remains unclear.

NM_000548.5(TSC2):c.1897A>C (p.Asn633His)

Gene: TSC2 (TSC complex subunit 2; plus strand). Cytogenetic location: 16p13.3.
Variant type: single nucleotide variant.
Coding change: c.1897A>C on transcript NM_000548.5 (MANE Select); coding-DNA position 1897, A replaced by C.
Protein change: p.Asn633His; replaces asparagine 633 with histidine.
Molecular consequence: missense variant.
Genome position (GRCh38, 1-based): chr16:2,071,567, A>C. VCF-style: chr16-2071567-A-C. GRCh37 (hg19) VCF-style: chr16-2121568-A-C.
Other names: c.1897A>C, p.Asn633His (NM_001077183.3, NM_001114382.3, NM_001363528.2 and 3 more transcripts); c.1786A>C, p.Asn596His (NM_001318827.2); c.1750A>C, p.Asn584His (NM_001318829.2); c.1297A>C, p.Asn433His (NM_001318831.2); c.1930A>C, p.Asn644His (NM_001318832.2); short protein forms N433H, N584H, N644H, N596H, N633H.
Identifiers: ClinVar variation 846504 (VCV000846504.10), dbSNP rs1462660984, ClinGen allele CA394273143.